The following is an entry in ClinVar:

ClinVar aggregate classification (germline): Conflicting classifications of pathogenicity. Review status: criteria provided, conflicting classifications (1 of 4 stars). 4 submissions from 4 submitters: Pathogenic (1); Likely pathogenic (1); Uncertain significance (1). 1 of the submissions does not count toward it. Last evaluated 2025-12-29.

Conditions:
Autosomal recessive limb-girdle muscular dystrophy type 2D (LGMDR3). Also called: MUSCULAR DYSTROPHY, LIMB-GIRDLE, AUTOSOMAL RECESSIVE 3; ADHALINOPATHY, PRIMARY; DUCHENNE-LIKE AUTOSOMAL RECESSIVE MUSCULAR DYSTROPHY, TYPE 2. Identifiers: Orphanet 62, MedGen C2936332, MONDO:0011968, OMIM 608099. Disease mechanism: Affects gamma-sarcoglycan and also disrupts the integrity of the entire sarcoglycan complex..

Allele frequency attached by ClinVar (database versions not stated): gnomAD 0.00003; TOPMed 0.00003; ExAC 0.00007.
gnomAD v4.1: 50 of 1,613,640 alleles (0.0031%); highest among the groups gnomAD compares: Middle Eastern, 0.016%; 1 homozygote.

Submissions (4):

Labcorp Genetics (formerly Invitae), Labcorp
Classification: Pathogenic for Autosomal recessive limb-girdle muscular dystrophy type 2D. Last evaluated: 2025-12-29. Review status: criteria provided, single submitter. Criteria: Invitae Variant Classification Sherloc (09022015). Collection method: clinical testing. Allele origin: germline.
Comment: This sequence change replaces arginine, which is basic and polar, with glutamine, which is neutral and polar, at codon 74 of the SGCA protein (p.Arg74Gln). This variant is present in population databases (rs779439298, gnomAD 0.02%). This missense change has been observed in individual(s) with limb girdle muscle dystrophy (PMID: 36374152). ClinVar contains an entry for this variant (Variation ID: 579610). Invitae Evidence Modeling of protein sequence and biophysical properties (such as structural, functional, and spatial information, amino acid conservation, physicochemical variation, residue mobility, and thermodynamic stability) indicates that this missense variant is expected to disrupt SGCA protein function with a positive predictive value of 95%. This variant disrupts the p.Arg74 amino acid residue in SGCA. Other variant(s) that disrupt this residue have been determined to be pathogenic (PMID: 9455986, 10993494, 15833425). This suggests that this residue is clinically significant, and that variants that disrupt this residue are likely to be disease-causing. For these reasons, this variant has been classified as Pathogenic.

Genome-Nilou Lab
Classification: Uncertain significance for Autosomal recessive limb-girdle muscular dystrophy type 2D. Last evaluated: 2021-07-22. Review status: criteria provided, single submitter. Criteria: ACMG Guidelines, 2015. Collection method: clinical testing. Allele origin: germline. Affected: no.

Kariminejad - Najmabadi Pathology & Genetics Center
Classification: Likely pathogenic for Autosomal recessive limb-girdle muscular dystrophy type 2D. Review status: criteria provided, single submitter. Criteria: ACMG Guidelines, 2015. Collection method: clinical testing. Allele origin: germline. Affected: no.

Natera, Inc.
Classification: Uncertain significance for Limb-girdle muscular dystrophy type 2D. Last evaluated: 2020-09-16. Review status: no assertion criteria provided. Collection method: clinical testing. Allele origin: germline. Not counted in ClinVar's aggregate classification.

Literature cited by the submitters: PubMed 36374152 (cited by Labcorp Genetics (formerly Invitae), Labcorp); PubMed 9455986 (cited by Labcorp Genetics (formerly Invitae), Labcorp); PubMed 10993494 (cited by Labcorp Genetics (formerly Invitae), Labcorp); PubMed 15833425 (cited by Labcorp Genetics (formerly Invitae), Labcorp).

NM_000023.4(SGCA):c.221G>A (p.Arg74Gln)

Gene: SGCA (sarcoglycan alpha; plus strand). Cytogenetic location: 17q21.33.
Variant type: single nucleotide variant.
Coding change: c.221G>A on transcript NM_000023.4 (MANE Select); coding-DNA position 221, G replaced by A.
Protein change: p.Arg74Gln; replaces arginine 74 with glutamine.
Molecular consequence: missense variant. On other transcripts: non-coding transcript variant (1).
Genome position (GRCh38, 1-based): chr17:50,167,645, G>A. VCF-style: chr17-50167645-G-A. GRCh37 (hg19) VCF-style: chr17-48245006-G-A.
Other names: c.221G>A, p.Arg74Gln (NM_001135697.3); short protein forms R74Q.
Identifiers: ClinVar variation 579610 (VCV000579610.13), dbSNP rs779439298, ClinGen allele CA8643736.